The following is an entry in ClinVar:

ClinVar aggregate classification (germline): Pathogenic/Likely pathogenic. Review status: criteria provided, multiple submitters, no conflicts (2 of 4 stars). 4 submissions from 4 submitters: Pathogenic (2); Likely pathogenic (2). Last evaluated 2026-01-25.

Conditions:
Familial adenomatous polyposis 4 (FAP4). Also called: MSH3-related attenuated familial adenomatous polyposis. Identifiers: Orphanet 480536, MedGen C4310719, MONDO:0044300, OMIM 617100.
Hereditary cancer-predisposing syndrome. Also called: Tumor predisposition; Hereditary neoplastic syndrome; Hereditary Cancer Syndrome; Neoplastic Syndromes, Hereditary. Identifiers: Orphanet 140162, MedGen C0027672, MeSH D009386, MONDO:0015356.
Endometrial carcinoma. Also called: Endometrial carcinoma, somatic. Identifiers: MedGen C0476089, MONDO:0002447, OMIM 608089, HP:0012114.

Allele frequency attached by ClinVar (database versions not stated): gnomAD exomes below 0.00001.
gnomAD v4.1: 3 of 1,608,852 alleles (0.00019%); highest among the groups gnomAD compares: Non-Finnish European, 0.00026%; no homozygotes.

Submissions (4):

Labcorp Genetics (formerly Invitae), Labcorp
Classification: Pathogenic. Last evaluated: 2026-01-25. Review status: criteria provided, single submitter. Criteria: Invitae Variant Classification Sherloc (09022015). Collection method: clinical testing. Allele origin: germline.
Comment: This sequence change affects an acceptor splice site in intron 21 of the MSH3 gene. RNA analysis indicates that disruption of this splice site induces altered splicing and may result in an absent or altered protein product. This variant is not present in population databases (gnomAD no frequency). Disruption of this splice site has been observed in individual(s) with polyposis and colorectal cancer (PMID: 27476653). In at least one individual the data is consistent with being in trans (on the opposite chromosome) from a pathogenic variant. ClinVar contains an entry for this variant (Variation ID: 935332). Studies have shown that disruption of this splice site results in skipping of exon 22, and produces a non-functional protein and/or introduces a premature termination codon (PMID: 27476653). For these reasons, this variant has been classified as Pathogenic.

Ambry Genetics
Classification: Likely pathogenic for Hereditary cancer-predisposing syndrome. Last evaluated: 2025-06-28. Review status: criteria provided, single submitter. Criteria: Ambry Variant Classification Scheme 2023. Collection method: clinical testing. Allele origin: germline.
Comment: The c.3001-2A>G intronic variant results from an A to G substitution two nucleotides upstream from coding exon 22 in the MSH3 gene. This variant is considered to be rare based on population cohorts in the Genome Aggregation Database (gnomAD). This nucleotide position is highly conserved in available vertebrate species. In silico splice site analysis predicts that this alteration will weaken the native splice acceptor site; however, direct evidence is insufficient at this time (Ambry internal data). Alterations that disrupt the canonical splice site are expected to cause aberrant splicing, resulting in an abnormal protein or a transcript that is subject to nonsense-mediated mRNA decay. As such, this alteration is classified as likely pathogenic.

Baylor Genetics
Classification: Pathogenic for Endometrial carcinoma. Last evaluated: 2023-11-27. Review status: criteria provided, single submitter. Criteria: ACMG Guidelines, 2015. Collection method: clinical testing. Allele origin: unknown.

Myriad Genetics, Inc.
Classification: Likely pathogenic for Familial adenomatous polyposis 4. Last evaluated: 2023-08-31. Review status: criteria provided, single submitter. Criteria: Myriad Autosomal Dominant, Autosomal Recessive and X-Linked Classification Criteria (2023). Collection method: clinical testing. Allele origin: unknown.
Comment: This variant is considered likely pathogenic. This variant occurs within a consensus splice junction and is predicted to result in abnormal mRNA splicing of either an out-of-frame exon or an in-frame exon necessary for protein stability and/or normal function.

Literature cited by the submitters: PubMed 27476653 (cited by Labcorp Genetics (formerly Invitae), Labcorp).

NM_002439.5(MSH3):c.3001-2A>G

Gene: MSH3 (mutS homolog 3; plus strand). Cytogenetic location: 5q14.1.
Variant type: single nucleotide variant.
Coding change: c.3001-2A>G on transcript NM_002439.5 (MANE Select); the canonical splice acceptor site of the intron before coding-DNA position 3001, A replaced by G.
Molecular consequence: splice acceptor variant.
Genome position (GRCh38, 1-based): chr5:80,864,811, A>G. VCF-style: chr5-80864811-A-G. GRCh37 (hg19) VCF-style: chr5-80160630-A-G.
Identifiers: ClinVar variation 935332 (VCV000935332.16), dbSNP rs886037878, ClinGen allele CA360346013.